The following is an entry in ClinVar:

ClinVar aggregate classification (germline): Uncertain significance (1 of 4 stars; one submission).

Submission:

Ambry Genetics
Classification: Uncertain significance. Last evaluated: 2026-02-18. Review status: criteria provided, single submitter. Criteria: Ambry Variant Classification Scheme 2023. Collection method: clinical testing. Allele origin: germline.
Comment: The p.E1203D variant (also known as c.3609G>T), located in coding exon 15 of the WNK2 gene, results from a G to T substitution at nucleotide position 3609. The glutamic acid at codon 1203 is replaced by aspartic acid, an amino acid with highly similar properties. This amino acid position is conserved. In addition, the in silico prediction for this alteration is inconclusive. Based on the available evidence, the clinical significance of this variant remains unclear.

NM_006648.4(WNK2):c.3609G>T (p.Glu1203Asp)

Gene: WNK2 (WNK lysine deficient protein kinase 2; plus strand). Cytogenetic location: 9q22.31.
Variant type: single nucleotide variant.
Coding change: c.3609G>T on transcript NM_006648.4 (MANE Select); coding-DNA position 3609, G replaced by T.
Protein change: p.Glu1203Asp; replaces glutamic acid 1203 with aspartic acid.
Molecular consequence: missense variant.
Genome position (GRCh38, 1-based): chr9:93,263,946, G>T. VCF-style: chr9-93263946-G-T. GRCh37 (hg19) VCF-style: chr9-96026228-G-T.
Other names: c.3609G>T, p.Glu1203Asp (NM_001282394.3); short protein forms E1203D.
Identifiers: ClinVar variation 4844911 (VCV004844911.1).